The following is an entry in ClinVar:

ClinVar aggregate classification (germline): Uncertain significance (1 of 4 stars; one submission).

Conditions:
RFT1-congenital disorder of glycosylation (CDG1N). Also called: Congenital disorder of glycosylation type In; RFT1-CDG; CDG In. Identifiers: Orphanet 244310, MedGen C2677590, MONDO:0012783, OMIM 612015.

Allele frequency attached by ClinVar (database versions not stated): gnomAD exomes below 0.00001; ExAC 0.00001.
gnomAD v4.1: 2 of 1,613,922 alleles (0.00012%); highest among the groups gnomAD compares: Non-Finnish European, 0.00017%; no homozygotes.

Submission:

Labcorp Genetics (formerly Invitae), Labcorp
Classification: Uncertain significance for RFT1-congenital disorder of glycosylation. Last evaluated: 2022-03-02. Review status: criteria provided, single submitter. Criteria: Invitae Variant Classification Sherloc (09022015). Collection method: clinical testing. Allele origin: germline.
Comment: In summary, the available evidence is currently insufficient to determine the role of this variant in disease. Therefore, it has been classified as a Variant of Uncertain Significance. Algorithms developed to predict the effect of missense changes on protein structure and function output the following: SIFT: "Tolerated"; PolyPhen-2: "Benign"; Align-GVGD: "Class C0". The valine amino acid residue is found in multiple mammalian species, which suggests that this missense change does not adversely affect protein function. This variant has not been reported in the literature in individuals affected with RFT1-related conditions. This variant is not present in population databases (gnomAD no frequency). This sequence change replaces isoleucine, which is neutral and non-polar, with valine, which is neutral and non-polar, at codon 296 of the RFT1 protein (p.Ile296Val).

NM_052859.4(RFT1):c.886A>G (p.Ile296Val)

Gene: RFT1 (RFT1 glycolipid translocator homolog; minus strand). Cytogenetic location: 3p21.1.
Variant type: single nucleotide variant.
Coding change: c.886A>G on transcript NM_052859.4 (MANE Select); coding-DNA position 886, A replaced by G.
Protein change: p.Ile296Val; replaces isoleucine 296 with valine.
Molecular consequence: missense variant.
Genome position (GRCh38, 1-based): chr3:53,105,744, T>C on the plus strand (A>G on the coding strand, the complement: RFT1 is on the minus strand). VCF-style: chr3-53105744-T-C. GRCh37 (hg19) VCF-style: chr3-53139760-T-C.
Other names: short protein forms I296V.
Identifiers: ClinVar variation 1989752 (VCV001989752.2), dbSNP rs760552260, ClinGen allele CA2451295.